The following is an entry in ClinVar:

NM_002645.4(PIK3C2A):c.1600C>G (p.Leu534Val)

Gene: PIK3C2A (phosphatidylinositol-4-phosphate 3-kinase catalytic subunit type 2 alpha; minus strand). Cytogenetic location: 11p15.1.
Variant type: single nucleotide variant.
Coding change: c.1600C>G on transcript NM_002645.4 (MANE Select); coding-DNA position 1600, C replaced by G.
Protein change: p.Leu534Val; replaces leucine 534 with valine.
Molecular consequence: missense variant.
Genome position (GRCh38, 1-based): chr11:17,145,903, G>C on the plus strand (C>G on the coding strand, the complement: PIK3C2A is on the minus strand). VCF-style: chr11-17145903-G-C. GRCh37 (hg19) VCF-style: chr11-17167450-G-C.
Other names: c.1600C>G, p.Leu534Val (NM_001321378.2, NM_001386870.1); c.460C>G, p.Leu154Val (NM_001321380.2); short protein forms L154V, L534V.
Identifiers: ClinVar variation 1719351 (VCV001719351.5), dbSNP rs2494172939, ClinGen allele CA379765956.
Genomic context (GRCh38, chr11:17,145,903, plus strand): 5'-TAATGCTTTAGATGATATACCTCGTCATGGCTTCTTTGCAAGGTTTTTCTATTTGATACA[G>C]GTGTTTGTTTAAATCCACGGGTGTTTCATCATCTTCTGCCTAAACAAACACATATACACA-3'
Protein context (NP_002636.2, residues 524-544): DETPVDLNKH[Leu534Val]YQIEKPCKEA

ClinVar aggregate classification (germline): Uncertain significance (1 of 4 stars; one submission).

Submission:

Labcorp Genetics (formerly Invitae), Labcorp
Classification: Uncertain significance. Last evaluated: 2024-12-09. Review status: criteria provided, single submitter. Criteria: Invitae Variant Classification Sherloc (09022015). Collection method: clinical testing. Allele origin: germline.
Comment: This sequence change replaces leucine, which is neutral and non-polar, with valine, which is neutral and non-polar, at codon 534 of the PIK3C2A protein (p.Leu534Val). This variant is not present in population databases (gnomAD no frequency). This variant has not been reported in the literature in individuals affected with PIK3C2A-related conditions. ClinVar contains an entry for this variant (Variation ID: 1719351). An algorithm developed to predict the effect of missense changes on protein structure and function (PolyPhen-2) suggests that this variant is likely to be tolerated. In summary, the available evidence is currently insufficient to determine the role of this variant in disease. Therefore, it has been classified as a Variant of Uncertain Significance.